The following is an entry in ClinVar:

NM_003923.3(FOXH1):c.794C>A (p.Ser265Tyr)

Gene: FOXH1 (forkhead box H1; minus strand). Cytogenetic location: 8q24.3.
Variant type: single nucleotide variant.
Coding change: c.794C>A on transcript NM_003923.3 (MANE Select); coding-DNA position 794, C replaced by A.
Protein change: p.Ser265Tyr; replaces serine 265 with tyrosine.
Molecular consequence: missense variant.
Genome position (GRCh38, 1-based): chr8:144,474,542, G>T on the plus strand (C>A on the coding strand, the complement: FOXH1 is on the minus strand). VCF-style: chr8-144474542-G-T. GRCh37 (hg19) VCF-style: chr8-145699925-G-T.
Other names: short protein forms S265Y.
Identifiers: ClinVar variation 409649 (VCV000409649.5), dbSNP rs769660425, ClinGen allele CA4945435.

ClinVar aggregate classification (germline): Uncertain significance (1 of 4 stars; one submission).

Conditions:
Holoprosencephaly sequence (HPE). Also called: Holoprosencephaly. Identifiers: Orphanet 2162, MedGen C0079541, MONDO:0016296, HP:0001360.

Allele frequency attached by ClinVar (database versions not stated): gnomAD below 0.00001 and 0.00001; gnomAD exomes 0.00003; ExAC 0.00004.
gnomAD v4.1: 23 of 1,610,896 alleles (0.0014%); highest among the groups gnomAD compares: South Asian, 0.023%; no homozygotes.

Submission:

Labcorp Genetics (formerly Invitae), Labcorp
Classification: Uncertain significance for Holoprosencephaly sequence. Last evaluated: 2016-11-17. Review status: criteria provided, single submitter. Criteria: Invitae Variant Classification Sherloc (09022015). Collection method: clinical testing. Allele origin: germline.
Comment: In summary, this variant is a rare missense change with uncertain impact on protein function. There is no indication that it causes disease, but the available evidence is currently insufficient to prove that conclusively. Therefore, it has been classified as a Variant of Uncertain Significance. Algorithms developed to predict the effect of missense changes on protein structure and function do not agree on the potential impact of this missense change (SIFT: "Tolerated"; PolyPhen-2: "Possibly Damaging"; Align-GVGD: "Class C0"). This variant is present in population databases (rs769660425, ExAC 0.02%) but has not been reported in the literature in individuals with a FOXH1-related disease. This sequence change replaces serine with tyrosine at codon 265 of the FOXH1 protein (p.Ser265Tyr). The serine residue is moderately conserved and there is a large physicochemical difference between serine and tyrosine.